The following is an entry in ClinVar:

ClinVar aggregate classification (germline): Pathogenic (1 of 4 stars; one submission).

Conditions:
Charcot-Marie-Tooth disease type 2. Also called: Charcot-Marie-Tooth type 2. Identifiers: Orphanet 64746, MedGen C0270914, MONDO:0018993.

Submission:

Labcorp Genetics (formerly Invitae), Labcorp
Classification: Pathogenic for Charcot-Marie-Tooth disease type 2. Last evaluated: 2022-07-05. Review status: criteria provided, single submitter. Criteria: Invitae Variant Classification Sherloc (09022015). Collection method: clinical testing. Allele origin: germline.
Comment: For these reasons, this variant has been classified as Pathogenic. ClinVar contains an entry for this variant (Variation ID: 1457079). This variant has not been reported in the literature in individuals affected with LMNA-related conditions. This variant is not present in population databases (gnomAD no frequency). This sequence change creates a premature translational stop signal (p.Leu327Profs*148) in the LMNA gene. It is expected to result in an absent or disrupted protein product. Loss-of-function variants in LMNA are known to be pathogenic (PMID: 18585512, 18926329).

Literature cited by the submitters: PubMed 18585512; PubMed 18926329.

NM_170707.4(LMNA):c.980_995del (p.Leu327fs)

Gene: LMNA (lamin A/C; plus strand). Cytogenetic location: 1q22.
Variant type: Deletion.
Coding change: c.980_995del on transcript NM_170707.4 (MANE Select); coding-DNA positions 980 to 995, 16 bases deleted (TGGCCCGTGAGCGGGA).
Protein change: p.Leu327fs; shifts the reading frame from leucine 327.
Molecular consequence: frameshift variant.
Genome position (GRCh38, 1-based): chr1:156,135,944-156,135,959, TGGCCCGTGAGCGGGA deleted. VCF-style (leftmost placement, unchanged base first): chr1-156135943-CTGGCCCGTGAGCGGGA-C. GRCh37 (hg19) VCF-style: chr1-156105734-CTGGCCCGTGAGCGGGA-C.
Other names: c.644_659del, p.Leu215fs (NM_001257374.3); c.737_752del, p.Leu246fs (NM_001282624.2); c.980_995del, p.Leu327fs (NM_001282625.2, NM_001282626.2, NM_005572.4 and 1 more transcripts); short protein forms L246fs, L327fs, L215fs.
Identifiers: ClinVar variation 1457079 (VCV001457079.6), dbSNP rs2102887031, ClinGen allele CA2573130607.